The following is an entry in ClinVar:

ClinVar aggregate classification (germline): Uncertain significance (1 of 4 stars; one submission).

gnomAD v4.1: 1 of 1,612,490 alleles (0.000062%); highest among the groups gnomAD compares: East Asian, 0.0022%; no homozygotes.

Submission:

GeneDx
Classification: Uncertain significance. Last evaluated: 2022-10-03. Review status: criteria provided, single submitter. Criteria: GeneDx Variant Classification Process June 2021. Collection method: clinical testing. Allele origin: germline. Affected: yes.
Comment: Not observed at significant frequency in large population cohorts (gnomAD); In silico analysis supports that this missense variant has a deleterious effect on protein structure/function; In silico analysis suggests this variant may impact gene splicing. In the absence of RNA/functional studies, the actual effect of this sequence change is unknown.; Has not been previously published as pathogenic or benign to our knowledge

NM_014712.3(SETD1A):c.3071A>G (p.Asp1024Gly)

Gene: SETD1A (SET domain containing 1A, histone lysine methyltransferase; plus strand). Cytogenetic location: 16p11.2.
Variant type: single nucleotide variant.
Coding change: c.3071A>G on transcript NM_014712.3 (MANE Select); coding-DNA position 3071, A replaced by G.
Protein change: p.Asp1024Gly; replaces aspartic acid 1024 with glycine.
Molecular consequence: missense variant.
Genome position (GRCh38, 1-based): chr16:30,971,432, A>G. VCF-style: chr16-30971432-A-G. GRCh37 (hg19) VCF-style: chr16-30982753-A-G.
Other names: short protein forms D1024G.
Identifiers: ClinVar variation 2446684 (VCV002446684.1), dbSNP rs2543881059, ClinGen allele CA395622849.